The following is an entry in ClinVar:

NM_003011.4(SET):c.786TGA[2] (p.Asp264del)

Gene: SET (SET nuclear proto-oncogene; plus strand). Cytogenetic location: 9q34.11.
Variant type: Microsatellite.
Coding change: c.786TGA[2] on transcript NM_003011.4 (MANE Select); two copies in a row of the 3-base unit TGA starting at c.786; the reference has three copies in a row; one copy, 3 bases deleted.
Protein change: p.Asp264del; deletes aspartic acid 264.
Molecular consequence: inframe deletion.
Genome position (GRCh38, 1-based): chr9:128,694,024-128,694,026, TGA deleted; deleting any 3 consecutive bases within chr9:128,694,016-128,694,026 gives the same sequence; the position shown is the placement nearest the transcript's 3' end. VCF-style (leftmost placement, unchanged base first): chr9-128694015-AGAT-A. GRCh37 (hg19) VCF-style: chr9-131456294-AGAT-A.
Other names: c.825TGA[2], p.Asp277del (NM_001122821.2, NM_001374326.1); c.759TGA[2], p.Asp255del (NM_001248000.2); c.753TGA[2], p.Asp253del (NM_001248001.2); short protein forms D253del, D264del, D277del, D255del.
Identifiers: ClinVar variation 2208661 (VCV002208661.25), dbSNP rs573205355, ClinGen allele CA5267099.

ClinVar aggregate classification (germline): Likely benign. Review status: criteria provided, multiple submitters, no conflicts (2 of 4 stars). 2 submissions from 2 submitters: Likely benign (2). Last evaluated 2023-10-01.

Conditions:
Inborn genetic diseases. Identifiers: MedGen C0950123, MeSH D030342.

Submissions (2):

CeGaT Center for Human Genetics Tuebingen
Classification: Likely benign. Last evaluated: 2023-10-01. Review status: criteria provided, single submitter. Criteria: CeGaT Center For Human Genetics Tuebingen Variant Classification Criteria Version 2. Collection method: clinical testing. Allele origin: germline. Affected: yes. Observed: 1 variant allele.
Comment: SET: BS2

Ambry Genetics
Classification: Likely benign for Inborn genetic diseases. Last evaluated: 2022-09-28. Review status: criteria provided, single submitter. Criteria: Ambry Variant Classification Scheme 2023. Collection method: clinical testing. Allele origin: germline.